The following is an entry in ClinVar:

NM_001009944.3(PKD1):c.12146C>T (p.Ser4049Phe)

Gene: PKD1 (polycystin 1, transient receptor potential channel interacting; minus strand). Cytogenetic location: 16p13.3.
Variant type: single nucleotide variant.
Coding change: c.12146C>T on transcript NM_001009944.3 (MANE Select); coding-DNA position 12146, C replaced by T.
Protein change: p.Ser4049Phe; replaces serine 4049 with phenylalanine.
Molecular consequence: missense variant.
Genome position (GRCh38, 1-based): chr16:2,090,583, G>A on the plus strand (C>T on the coding strand, the complement: PKD1 is on the minus strand). VCF-style: chr16-2090583-G-A. GRCh37 (hg19) VCF-style: chr16-2140584-G-A.
Other names: c.12143C>T, p.Ser4048Phe (NM_000296.4); short protein forms S4049F, S4048F.
Identifiers: ClinVar variation 430419 (VCV000430419.3), dbSNP rs757666977, ClinGen allele CA7828753.

ClinVar aggregate classification (germline): Uncertain significance (1 of 4 stars; one submission).

Allele frequency attached by ClinVar (database versions not stated): TOPMed 0.00002; gnomAD 0.00003 and 0.00004; gnomAD exomes 0.00003; ExAC 0.00004.
gnomAD v4.1: 20 of 1,608,598 alleles (0.0012%); highest among the groups gnomAD compares: Non-Finnish European, 0.0016%; no homozygotes.

Submission:

GeneDx
Classification: Uncertain significance. Last evaluated: 2024-04-05. Review status: criteria provided, single submitter. Criteria: GeneDx Variant Classification Process June 2021. Collection method: clinical testing. Allele origin: germline. Affected: yes.
Comment: In silico analysis supports that this missense variant has a deleterious effect on protein structure/function; Has not been previously published as pathogenic or benign to our knowledge